The following is an entry in ClinVar:

NM_000548.5(TSC2):c.590G>A (p.Arg197Lys)

Gene: TSC2 (TSC complex subunit 2; plus strand). Cytogenetic location: 16p13.3.
Variant type: single nucleotide variant.
Coding change: c.590G>A on transcript NM_000548.5 (MANE Select); coding-DNA position 590, G replaced by A.
Protein change: p.Arg197Lys; replaces arginine 197 with lysine.
Molecular consequence: missense variant. On other transcripts: intron variant (1).
Genome position (GRCh38, 1-based): chr16:2,055,510, G>A. VCF-style: chr16-2055510-G-A. GRCh37 (hg19) VCF-style: chr16-2105511-G-A.
Other names: c.590G>A, p.Arg197Lys (NM_001077183.3, NM_001114382.3, NM_001363528.2 and 3 more transcripts); c.479G>A, p.Arg160Lys (NM_001318827.2); c.443G>A, p.Arg148Lys (NM_001318829.2); c.623G>A, p.Arg208Lys (NM_001318832.2); c.-1-686G>A (NM_001318831.2); c.590G>A (NM_000548.3); short protein forms R148K, R160K, R197K, R208K.
Identifiers: ClinVar variation 1062844 (VCV001062844.8), dbSNP rs754505860, ClinGen allele CA055459.

ClinVar aggregate classification (germline): Conflicting classifications of pathogenicity. Review status: criteria provided, conflicting classifications (1 of 4 stars). 3 submissions from 3 submitters: Uncertain significance (2); Benign (1). Last evaluated 2025-12-17.

Conditions:
Hereditary cancer-predisposing syndrome. Also called: Tumor predisposition; Neoplastic Syndromes, Hereditary; Hereditary Cancer Syndrome; Hereditary neoplastic syndrome. Identifiers: Orphanet 140162, MedGen C0027672, MeSH D009386, MONDO:0015356.
Tuberous sclerosis syndrome (TSC). Also called: Tuberous Sclerosis Complex; Tuberous sclerosis. Identifiers: Orphanet 805, MedGen C0041341, MONDO:0001734.
Tuberous sclerosis 2 (TSC2). Identifiers: Orphanet 805, MedGen C1860707, MONDO:0013199, OMIM 613254.

Allele frequency attached by ClinVar (database versions not stated): gnomAD exomes below 0.00001; ExAC 0.00001.
gnomAD v4.1: 2 of 1,613,650 alleles (0.00012%); highest among the groups gnomAD compares: Non-Finnish European, 0.00017%; no homozygotes.

Submissions (3):

Labcorp Genetics (formerly Invitae), Labcorp
Classification: Benign for Tuberous sclerosis 2. Last evaluated: 2025-12-17. Review status: criteria provided, single submitter. Criteria: Invitae Variant Classification Sherloc (09022015). Collection method: clinical testing. Allele origin: germline.

Color Diagnostics, LLC DBA Color Health
Classification: Uncertain significance for Tuberous sclerosis syndrome. Last evaluated: 2025-05-25. Review status: criteria provided, single submitter. Criteria: ACMG Guidelines, 2015. Collection method: clinical testing. Allele origin: germline.
Comment: This missense variant replaces arginine with lysine at codon 197 of the TSC2 protein. Computational prediction suggests that this variant may not impact protein structure and function. To our knowledge, functional studies have not been reported for this variant. This variant has not been reported in individuals affected with TSC2-related disorders in the literature. This variant has been identified in 1/251496 chromosomes in the general population by the Genome Aggregation Database (gnomAD). The available evidence is insufficient to determine the role of this variant in disease conclusively. Therefore, this variant is classified as a Variant of Uncertain Significance.

Ambry Genetics
Classification: Uncertain significance for Hereditary cancer-predisposing syndrome. Last evaluated: 2024-04-23. Review status: criteria provided, single submitter. Criteria: Ambry Variant Classification Scheme 2023. Collection method: clinical testing. Allele origin: germline.
Comment: The p.R197K variant (also known as c.590G>A), located in coding exon 5 of the TSC2 gene, results from a G to A substitution at nucleotide position 590. The arginine at codon 197 is replaced by lysine, an amino acid with highly similar properties. This amino acid position is conserved. In addition, this alteration is predicted to be tolerated by in silico analysis. Based on the available evidence, the clinical significance of this variant remains unclear.